The following is an entry in ClinVar:

ClinVar aggregate classification (germline): Uncertain significance (1 of 4 stars; one submission).

Allele frequency attached by ClinVar (database versions not stated): gnomAD 0.00001; gnomAD exomes 0.00001; TOPMed 0.00002.
gnomAD v4.1: 4 of 1,613,964 alleles (0.00025%); highest among the groups gnomAD compares: Admixed American, 0.005%; no homozygotes.

Submission:

Labcorp Genetics (formerly Invitae), Labcorp
Classification: Uncertain significance. Last evaluated: 2024-10-29. Review status: criteria provided, single submitter. Criteria: Invitae Variant Classification Sherloc (09022015). Collection method: clinical testing. Allele origin: germline.
Comment: This sequence change replaces glycine, which is neutral and non-polar, with glutamic acid, which is acidic and polar, at codon 720 of the LAMC3 protein (p.Gly720Glu). This variant is not present in population databases (gnomAD no frequency). This variant has not been reported in the literature in individuals affected with LAMC3-related conditions. ClinVar contains an entry for this variant (Variation ID: 1432838). An algorithm developed to predict the effect of missense changes on protein structure and function (PolyPhen-2) suggests that this variant is likely to be disruptive. Algorithms developed to predict the effect of sequence changes on RNA splicing suggest that this variant may disrupt the consensus splice site. In summary, the available evidence is currently insufficient to determine the role of this variant in disease. Therefore, it has been classified as a Variant of Uncertain Significance.

NM_006059.4(LAMC3):c.2159G>A (p.Gly720Glu)

Gene: LAMC3 (laminin subunit gamma 3; plus strand). Cytogenetic location: 9q34.12.
Variant type: single nucleotide variant.
Coding change: c.2159G>A on transcript NM_006059.4 (MANE Select); coding-DNA position 2159, G replaced by A.
Protein change: p.Gly720Glu; replaces glycine 720 with glutamic acid.
Molecular consequence: missense variant.
Genome position (GRCh38, 1-based): chr9:131,061,035, G>A. VCF-style: chr9-131061035-G-A. GRCh37 (hg19) VCF-style: chr9-133936422-G-A.
Other names: short protein forms G720E.
Identifiers: ClinVar variation 1432838 (VCV001432838.5), dbSNP rs980868586, ClinGen allele CA200710885.
Genomic context (GRCh38, chr9:131,061,035, plus strand): 5'-GGATGCCCACCATCTCTGGGCATTCTGGGTTCAGACAGTGGTGCTTGTCTTGCCCCTCAG[G>A]GATCTGTGTCTGCAGCCACCATACCGAGGGCCCATCCTGTGAACGCTGTTTGCCAGGTTT-3'
Protein context (NP_006050.3, residues 710-730): NQHGTCDPNT[Gly720Glu]ICVCSHHTEG